The following is an entry in ClinVar:

NM_174936.4(PCSK9):c.1289C>T (p.Pro430Leu)

Gene: PCSK9 (proprotein convertase subtilisin/kexin type 9; plus strand). Cytogenetic location: 1p32.3.
Variant type: single nucleotide variant.
Coding change: c.1289C>T on transcript NM_174936.4 (MANE Select); coding-DNA position 1289, C replaced by T.
Protein change: p.Pro430Leu; replaces proline 430 with leucine.
Molecular consequence: missense variant.
Genome position (GRCh38, 1-based): chr1:55,058,144, C>T. VCF-style: chr1-55058144-C-T. GRCh37 (hg19) VCF-style: chr1-55523817-C-T.
Other names: c.1412C>T, p.Pro471Leu (NM_001407240.1); c.1289C>T, p.Pro430Leu (NM_001407241.1); c.1292C>T, p.Pro431Leu (NM_001407242.1); c.1232C>T, p.Pro411Leu (NM_001407243.1); c.1097C>T, p.Pro366Leu (NM_001407245.1); c.914C>T, p.Pro305Leu (NM_001407246.1); short protein forms P430L, P431L, P366L, P305L, P411L, P471L.
Identifiers: ClinVar variation 927499 (VCV000927499.6), dbSNP rs1644730203, ClinGen allele CA340477396.

ClinVar aggregate classification (germline): Uncertain significance (1 of 4 stars; one submission).

Conditions:
Familial hypercholesterolemia. Also called: Familial hypercholesterolaemia. Identifiers: MedGen C0020445, MONDO:0005439.

Allele frequency attached by ClinVar (database versions not stated): gnomAD exomes below 0.00001.

Submission:

Color Diagnostics, LLC DBA Color Health
Classification: Uncertain significance for Familial hypercholesterolemia. Last evaluated: 2023-12-05. Review status: criteria provided, single submitter. Criteria: ACMG Guidelines, 2015. Collection method: clinical testing. Allele origin: germline.
Comment: This missense variant replaces proline with leucine at codon 430 of the PCSK9 protein. Computational prediction tools and conservation analyses suggest that this variant may have deleterious impact on the protein function. Computational splicing tools suggest that this variant may not impact RNA splicing. To our knowledge, functional assays have not been performed for this variant nor has this variant been reported in individuals affected with familial hypercholesterolemia in the literature. This variant has not been identified in the general population by the Genome Aggregation Database (gnomAD). Available evidence is insufficient to determine the role of this variant in disease conclusively. Therefore, this variant is classified as a Variant of Uncertain Significance.